The following is an entry in ClinVar:

ClinVar aggregate classification (germline): Uncertain significance (0 of 4 stars; one submission).

Conditions:
COL4A3-related disorder. Also called: COL4A3-Related Disorders; COL4A3-related condition.

Submission:

PreventionGenetics, part of Exact Sciences
Classification: Uncertain significance for COL4A3-related condition. Last evaluated: 2023-10-25. Review status: no assertion criteria provided. Collection method: clinical testing. Allele origin: germline.
Comment: The COL4A3 c.4414T>C variant is predicted to result in the amino acid substitution p.Ser1472Pro. To our knowledge, this variant has not been reported in the literature or in a large population database, indicating this variant is rare. At this time, the clinical significance of this variant is uncertain due to the absence of conclusive functional and genetic evidence.

NM_000091.5(COL4A3):c.4414T>C (p.Ser1472Pro)

Genes: COL4A3 (collagen type IV alpha 3 chain; plus strand), MFF-DT (MFF divergent transcript; minus strand). Cytogenetic location: 2q36.3.
Variant type: single nucleotide variant.
Coding change: c.4414T>C on transcript NM_000091.5 (MANE Select); coding-DNA position 4414, T replaced by C.
Protein change: p.Ser1472Pro; replaces serine 1472 with proline.
Molecular consequence: missense variant.
Genome position (GRCh38, 1-based): chr2:227,307,871, T>C. VCF-style: chr2-227307871-T-C. GRCh37 (hg19) VCF-style: chr2-228172587-T-C.
Other names: short protein forms S1472P.
Identifiers: ClinVar variation 2637302 (VCV002637302.3), dbSNP rs2469931812, ClinGen allele CA350864436.